The following is an entry in ClinVar:

NM_002768.5(CHMP1A):c.28-13G>A

Gene: CHMP1A (charged multivesicular body protein 1A; minus strand). Cytogenetic location: 16q24.3.
Variant type: single nucleotide variant.
Coding change: c.28-13G>A on transcript NM_002768.5 (MANE Select); 13 bases into the intron before coding-DNA position 28, G replaced by A.
Molecular consequence: intron variant.
Genome position (GRCh38, 1-based): chr16:89,651,659, C>T on the plus strand (G>A on the coding strand, the complement: CHMP1A is on the minus strand). VCF-style: chr16-89651659-C-T. GRCh37 (hg19) VCF-style: chr16-89718067-C-T.
Other names: IVS2AS, G-A, -13; c.8-13G>A (NM_001083314.4).
Identifiers: ClinVar variation 39838 (VCV000039838.7), dbSNP rs398122918, ClinGen allele CA130623.

ClinVar aggregate classification (germline): Pathogenic/Likely pathogenic. Review status: criteria provided, multiple submitters, no conflicts (2 of 4 stars). 5 submissions from 5 submitters: Pathogenic (2); Likely pathogenic (2). 1 of the submissions does not count toward it. Last evaluated 2025-09-20.

Conditions:
Pontocerebellar hypoplasia type 8 (PCH8). Identifiers: Orphanet 324569, MedGen C3554209, MONDO:0013990, OMIM 614961.

Allele frequency attached by ClinVar (database versions not stated): TOPMed 0.00001.

Submissions (5):

Dasa
Classification: Pathogenic. Last evaluated: 2025-09-20. Review status: criteria provided, single submitter. Criteria: DASA Assertion Criteria. Collection method: clinical testing. Allele origin: germline.
Comment: NM_002768.5(CHMP1A):c.28-13G>A introduces a premature termination codon predicted to result in loss of normal protein function. Loss-of-function is an established mechanism of disease for this gene. Segregation evidence has been reported in affected families. This variant has been observed in affected individuals with related phenotype in a genotype context consistent with recessive disease (PMID: 23023333; PMID: 30315573). Functional evidence supports a deleterious effect on the gene or gene product (PMID: 23023333; PMID: 30315573). This variant has been recurrently observed in individuals with related phenotype (PMID: 23023333; PMID: 30315573). The variant is present at low frequency in population datasets. Based on the available data, this variant is classified as pathogenic.

Labcorp Genetics (formerly Invitae), Labcorp
Classification: Pathogenic. Last evaluated: 2025-06-22. Review status: criteria provided, single submitter. Criteria: Invitae Variant Classification Sherloc (09022015). Collection method: clinical testing. Allele origin: germline.
Comment: This sequence change falls in intron 2 of the CHMP1A gene. It does not directly change the encoded amino acid sequence of the CHMP1A protein. This variant is present in population databases (rs398122918, gnomAD 0.002%). This variant has been observed in individuals with CHMP1A-related conditions (PMID: 23023333, 30315573). It has also been observed to segregate with disease in related individuals. ClinVar contains an entry for this variant (Variation ID: 39838). Algorithms developed to predict the effect of sequence changes on RNA splicing suggest that this variant may disrupt the consensus splice site. For these reasons, this variant has been classified as Pathogenic.

Fulgent Genetics
Classification: Likely pathogenic for Pontocerebellar hypoplasia type 8. Last evaluated: 2024-03-19. Review status: criteria provided, single submitter. Criteria: ACMG Guidelines, 2015. Collection method: clinical testing. Allele origin: germline.

Juno Genomics, Hangzhou Juno Genomics, Inc
Classification: Likely pathogenic for Pontocerebellar hypoplasia type 8. Review status: criteria provided, single submitter. Criteria: ACMG Guidelines, 2015. Collection method: clinical testing. Allele origin: germline. Affected: yes.
Comment: Absent from controls (or at extremely low frequency if recessive) in Genome Aggregation Database, Exome Sequencing Project, 1000 Genomes Project, or Exome Aggregation Consortium.;For recessive disorders, detected in trans with a pathogenic variant.;Co-segregation with disease in multiple affected family members in a gene definitively known to cause the disease.;Patient's phenotype or family history is highly specific for a disease with a single genetic etiology.;Well-established in vitro or in vivo functional studies supportive of a damaging effect on the gene or gene product.

OMIM
Classification: Pathogenic for PONTOCEREBELLAR HYPOPLASIA, TYPE 8. Last evaluated: 2012-11-01. Review status: no assertion criteria provided. Collection method: literature only. Allele origin: germline. Not counted in ClinVar's aggregate classification.

Literature cited by the submitters: PubMed 23023333 (cited by 3 submitters); PubMed 30315573 (cited by Dasa and Labcorp Genetics (formerly Invitae), Labcorp).